The following is an entry in ClinVar:

ClinVar aggregate classification (germline): Likely benign (1 of 4 stars; one submission).

Submission:

GeneDx
Classification: Likely benign. Last evaluated: 2016-11-09. Review status: criteria provided, single submitter. Criteria: GeneDx Variant Classification (06012015). Collection method: clinical testing. Allele origin: germline. Affected: yes.
Comment: This variant is considered likely benign or benign based on one or more of the following criteria: it is a conservative change, it occurs at a poorly conserved position in the protein, it is predicted to be benign by multiple in silico algorithms, and/or has population frequency not consistent with disease.

NM_000709.3(BCKDHA):c.-22C>A

Gene: BCKDHA (branched chain keto acid dehydrogenase E1 subunit alpha; plus strand). Cytogenetic location: 19q13.2.
Variant type: single nucleotide variant.
Coding change: c.-22C>A on transcript NM_000709.3; 22 bases upstream of the start codon, C replaced by A.
Genome position (GRCh38, 1-based): chr19:41,397,806, C>A. VCF-style: chr19-41397806-C-A. GRCh37 (hg19) VCF-style: chr19-41903711-C-A.
Identifiers: ClinVar variation 390562 (VCV000390562.3), dbSNP rs201197268, ClinGen allele CA9460957.